The following is an entry in ClinVar:

NM_003738.5(PTCH2):c.2582C>G (p.Thr861Ser)

Gene: PTCH2 (patched 2; minus strand). Cytogenetic location: 1p34.1.
Variant type: single nucleotide variant.
Coding change: c.2582C>G on transcript NM_003738.5 (MANE Select); coding-DNA position 2582, C replaced by G.
Protein change: p.Thr861Ser; replaces threonine 861 with serine.
Molecular consequence: missense variant.
Genome position (GRCh38, 1-based): chr1:44,827,015, G>C on the plus strand (C>G on the coding strand, the complement: PTCH2 is on the minus strand). VCF-style: chr1-44827015-G-C. GRCh37 (hg19) VCF-style: chr1-45292687-G-C.
Other names: c.2582C>G, p.Thr861Ser (NM_001166292.2); short protein forms T861S.
Identifiers: ClinVar variation 1360660 (VCV001360660.8), dbSNP rs1452021020, ClinGen allele CA340094528.

ClinVar aggregate classification (germline): Uncertain significance (1 of 4 stars; one submission).

Conditions:
Gorlin syndrome. Also called: Basal cell nevus syndrome; Nevoid Basal Cell Carcinoma Syndrome. Identifiers: Orphanet 377, MedGen C0004779, MONDO:0007187.

Allele frequency attached by ClinVar (database versions not stated): TOPMed below 0.00001; gnomAD 0.00001.
gnomAD v4.1: 2 of 1,613,982 alleles (0.00012%); highest among the groups gnomAD compares: African/African-American, 0.0027%; no homozygotes.

Submission:

Labcorp Genetics (formerly Invitae), Labcorp
Classification: Uncertain significance for Gorlin syndrome. Last evaluated: 2022-05-27. Review status: criteria provided, single submitter. Criteria: Invitae Variant Classification Sherloc (09022015). Collection method: clinical testing. Allele origin: germline.
Comment: In summary, the available evidence is currently insufficient to determine the role of this variant in disease. Therefore, it has been classified as a Variant of Uncertain Significance. Algorithms developed to predict the effect of missense changes on protein structure and function (SIFT, PolyPhen-2, Align-GVGD) all suggest that this variant is likely to be tolerated. This variant has not been reported in the literature in individuals affected with PTCH2-related conditions. This variant is present in population databases (no rsID available, gnomAD 0.01%). This sequence change replaces threonine, which is neutral and polar, with serine, which is neutral and polar, at codon 861 of the PTCH2 protein (p.Thr861Ser).